The following is an entry in ClinVar:

ClinVar aggregate classification (germline): Pathogenic. Review status: criteria provided, multiple submitters, no conflicts (2 of 4 stars). 2 submissions from 2 submitters: Pathogenic (2). Last evaluated 2025-11-19.

Conditions:
Breast-ovarian cancer, familial, susceptibility to, 1 (BROVCA1). Also called: OVARIAN CANCER, SUSCEPTIBILITY TO; BRCA1 Hereditary Breast and Ovarian Cancer. Identifiers: Orphanet 145, MedGen C2676676, MONDO:0011450, OMIM 604370. Disease mechanism: loss of function.
Hereditary breast ovarian cancer syndrome. Also called: Hereditary breast and ovarian cancer; Hereditary breast and/or ovarian cancer syndrome; Breast and ovarian cancer; BRCA1- and BRCA2-Associated Hereditary Breast and Ovarian Cancer; Hereditary breast and ovarian cancer syndrome (HBOC); Hereditary breast and ovarian cancer syndrome. Identifiers: Orphanet 145, MedGen C0677776, MeSH D061325, MONDO:0003582. Disease mechanism: loss of function.

Submissions (2):

Dasa
Classification: Pathogenic for Breast-ovarian cancer, familial, susceptibility to, 1. Last evaluated: 2025-11-19. Review status: criteria provided, single submitter. Criteria: DASA Assertion Criteria. Collection method: clinical testing. Allele origin: germline.
Comment: NM_007294.4(BRCA1):c.3311del (p.Lys1104Serfs*5) is a frameshift variant in BRCA1 predicted to alter the reading frame and introduce a premature termination codon and is predicted to result in an absent or altered protein product. Loss of function is an established disease mechanism for BRCA1 (PMID: 32375709; PMID: 21989022; PMID: 11802209). The affected residue or protein region has prior evidence supporting clinical relevance. Also, this variant is absent from population databases. Based on the currently available evidence, this variant is classified as pathogenic.

Labcorp Genetics (formerly Invitae), Labcorp
Classification: Pathogenic for Hereditary breast ovarian cancer syndrome. Last evaluated: 2021-02-04. Review status: criteria provided, single submitter. Criteria: Invitae Variant Classification Sherloc (09022015). Collection method: clinical testing. Allele origin: germline.
Comment: This variant has not been reported in the literature in individuals with BRCA1-related conditions. This variant is not present in population databases (ExAC no frequency). This sequence change creates a premature translational stop signal (p.Lys1104Serfs*5) in the BRCA1 gene. It is expected to result in an absent or disrupted protein product. Loss-of-function variants in BRCA1 are known to be pathogenic (PMID: 20104584). For these reasons, this variant has been classified as Pathogenic.

Literature cited by the submitters: PubMed 32375709 (cited by Dasa); PubMed 21989022 (cited by Dasa); PubMed 11802209 (cited by Dasa); PubMed 20104584 (cited by Labcorp Genetics (formerly Invitae), Labcorp).

NM_007294.4(BRCA1):c.3311del (p.Lys1104fs)

Genes: BRCA1 (BRCA1 DNA repair associated; minus strand), LOC126862571 (BRD4-independent group 4 enhancer GRCh37_chr17:41243136-41244335; plus strand). Cytogenetic location: 17q21.31.
Variant type: Deletion.
Coding change: c.3311del on transcript NM_007294.4 (MANE Select); coding-DNA position 3311, one base deleted (A; older notation c.3311delA).
Protein change: p.Lys1104fs; shifts the reading frame from lysine 1104.
Molecular consequence: frameshift variant. On other transcripts: intron variant (137).
Genome position (GRCh38, 1-based): chr17:43,092,220, T deleted on the plus strand (A on the coding strand, the reverse complement: BRCA1 is on the minus strand); the first of 2 consecutive T bases (chr17:43,092,220-43,092,221); deleting either gives the same sequence. VCF-style (leftmost placement, unchanged base first): chr17-43092219-CT-C. GRCh37 (hg19) VCF-style: chr17-41244236-CT-C.
Other names: c.3311del, p.Lys1104fs (NM_001407621.1, NM_001407622.1, NM_001407623.1 and 30 more transcripts); c.3308del, p.Lys1103fs (NM_001407627.1, NM_001407628.1, NM_001407629.1 and 22 more transcripts); c.3302del, p.Lys1101fs (NM_001407646.1, NM_001407647.1); c.3188del, p.Lys1063fs (NM_001407648.1, NM_001407664.1, NM_001407665.1 and 19 more transcripts); c.3185del, p.Lys1062fs (NM_001407649.1, NM_001407670.1, NM_001407671.1 and 11 more transcripts); c.3233del, p.Lys1078fs (NM_001407653.1, NM_001407654.1, NM_001407655.1 and 4 more transcripts); c.3230del, p.Lys1077fs (NM_001407659.1, NM_001407660.1, NM_001407661.1 and 1 more transcripts); c.3170del, p.Lys1057fs (NM_001407692.1, NM_001407694.1, NM_001407695.1 and 29 more transcripts); and 41 more; short protein forms K1057fs, K1104fs, K1033fs, K1034fs, K1056fs, K1062fs, K936fs, K977fs.
Identifiers: ClinVar variation 1405119 (VCV001405119.9), dbSNP rs2154329862, ClinGen allele CA2573154081.